The following is an entry in ClinVar:

ClinVar aggregate classification (germline): Likely pathogenic (1 of 4 stars; one submission).

Conditions:
Autosomal recessive nonsyndromic hearing loss 84B. Also called: Deafness, autosomal recessive 84b. Identifiers: Orphanet 90636, MedGen C3554159, MONDO:0013984, OMIM 614944.

gnomAD v4.1: 27 of 1,573,602 alleles (0.0017%); highest among the groups gnomAD compares: South Asian, 0.0022%; no homozygotes.

Submission:

First Genomix Gene Laboratory, Genetic Diagnostics Department
Classification: Likely pathogenic for Autosomal recessive nonsyndromic hearing loss 84B. Last evaluated: 2025-09-19. Review status: criteria provided, single submitter. Criteria: ACMG Guidelines, 2015. Collection method: clinical testing. Allele origin: germline. Inheritance: Autosomal recessive inheritance. Affected: no. Observed: 1 variant allele.

NM_001378609.3(OTOGL):c.3334-1G>C

Gene: OTOGL (otogelin like; plus strand). Cytogenetic location: 12q21.31.
Variant type: single nucleotide variant.
Coding change: c.3334-1G>C on transcript NM_001378609.3 (MANE Select); the canonical splice acceptor site of the intron before coding-DNA position 3334, G replaced by C.
Molecular consequence: splice acceptor variant.
Genome position (GRCh38, 1-based): chr12:80,310,610, G>C. VCF-style: chr12-80310610-G-C. GRCh37 (hg19) VCF-style: chr12-80704390-G-C.
Other names: c.3199-1G>C (NM_001368062.3); c.3334-1G>C (NM_001378610.3, NM_173591.7).
Identifiers: ClinVar variation 4850402 (VCV004850402.1).
Genomic context (GRCh38, chr12:80,310,610, plus strand): 5'-TACTCTGTTTGAGAAATTGTCCCTTTGAAAACTTCTTTTCTCTCTTAAATTTTTTCAACA[G>C]TGTGAAAGTCCAGATGAAACAATTAAACCCTGTGAGGCACATCAAAACAAATTTCCTTAT-3'